The following is an entry in ClinVar:

ClinVar aggregate classification (germline): Conflicting classifications of pathogenicity. Review status: criteria provided, conflicting classifications (1 of 4 stars). 5 submissions from 5 submitters: Uncertain significance (4); Likely benign (1). Last evaluated 2025-03-07.

Conditions:
Inborn genetic diseases. Identifiers: MedGen C0950123, MeSH D030342.

Allele frequency attached by ClinVar (database versions not stated): gnomAD 0.00003 and 0.00005; TOPMed 0.00003; gnomAD exomes 0.00007; ExAC 0.00011; 1000 Genomes Project 30x 0.00016; 1000 Genomes Project 0.00020.
gnomAD v4.1: 35 of 1,614,182 alleles (0.0022%); highest among the groups gnomAD compares: East Asian, 0.053%; no homozygotes.

Submissions (5):

Labcorp Genetics (formerly Invitae), Labcorp
Classification: Likely benign. Last evaluated: 2025-03-07. Review status: criteria provided, single submitter. Criteria: Invitae Variant Classification Sherloc (09022015). Collection method: clinical testing. Allele origin: germline.

Ambry Genetics
Classification: Uncertain significance for Inborn genetic diseases. Last evaluated: 2023-12-11. Review status: criteria provided, single submitter. Criteria: Ambry Variant Classification Scheme 2023. Collection method: clinical testing. Allele origin: germline.

GeneDx
Classification: Uncertain significance. Last evaluated: 2023-12-10. Review status: criteria provided, single submitter. Criteria: GeneDx Variant Classification Process June 2021. Collection method: clinical testing. Allele origin: germline. Affected: yes.
Comment: In silico analysis, which includes protein predictors and evolutionary conservation, supports that this variant does not alter protein structure/function; Has not been previously published as pathogenic or benign to our knowledge

Laboratory for Molecular Medicine, Mass General Brigham Personalized Medicine
Classification: Uncertain significance. Last evaluated: 2020-08-17. Review status: criteria provided, single submitter. Criteria: LMM Criteria. Collection method: clinical testing. Allele origin: germline. Observed: 1 variant allele.
Comment: The p.Glu271Gln variant in TECTA has not been previously reported in individuals with hearing loss but has been identified in 0.1% (20/19954) of East Asian chromosomes by gnomAD. This variant has also been reported in ClinVar (Variation ID 597195). Computational prediction tools and conservation analyses suggest that this variant may impact the protein, though this information is not predictive enough to determine pathogenicity. In summary, the clinical significance of this variant is uncertain. ACMG/AMP Criteria applied: PP3, BS1_Supporting.

Eurofins Ntd Llc (ga)
Classification: Uncertain significance. Last evaluated: 2018-05-18. Review status: criteria provided, single submitter. Criteria: EGL ClinVar v180209 classification definitions. Collection method: clinical testing. Allele origin: germline. Observed: 1 variant allele, 1 heterozygote.

NM_005422.4(TECTA):c.811G>C (p.Glu271Gln)

Genes: TBCEL-TECTA (TBCEL-TECTA readthrough; plus strand), TECTA (tectorin alpha; plus strand). Cytogenetic location: 11q23.3.
Variant type: single nucleotide variant.
Coding change: c.811G>C on transcript NM_005422.4 (MANE Select); coding-DNA position 811, G replaced by C.
Protein change: p.Glu271Gln; replaces glutamic acid 271 with glutamine.
Molecular consequence: missense variant.
Genome position (GRCh38, 1-based): chr11:121,118,326, G>C. VCF-style: chr11-121118326-G-C. GRCh37 (hg19) VCF-style: chr11-120989035-G-C.
Other names: c.1768G>C, p.Glu590Gln (NM_001378761.1); short protein forms E271Q, E590Q.
Identifiers: ClinVar variation 597195 (VCV000597195.20), dbSNP rs555093382, ClinGen allele CA6326619.